The following is an entry in ClinVar:

ClinVar aggregate classification (germline): Benign/Likely benign. Review status: criteria provided, multiple submitters, no conflicts (2 of 4 stars). 3 submissions from 3 submitters: Benign (2); Likely benign (1). Last evaluated 2023-10-01.

Allele frequency attached by ClinVar (database versions not stated): gnomAD exomes 0.00416 and 0.00589; ExAC 0.00464; ESP Exome Variant Server 0.00480; 1000 Genomes Project 30x 0.00125; 1000 Genomes Project 0.00140; TOPMed 0.00343; gnomAD 0.00401 and 0.00416.
gnomAD v4.1: 9,073 of 1,613,554 alleles (0.56%); highest among the groups gnomAD compares: Non-Finnish European, 0.7%; 34 homozygotes.

Submissions (3):

CeGaT Center for Human Genetics Tuebingen
Classification: Likely benign. Last evaluated: 2023-10-01. Review status: criteria provided, single submitter. Criteria: CeGaT Center For Human Genetics Tuebingen Variant Classification Criteria Version 2. Collection method: clinical testing. Allele origin: germline. Affected: yes. Observed: 2 variant alleles.
Comment: GCN1: BP4, BP7

Labcorp Genetics (formerly Invitae), Labcorp
Classification: Benign. Last evaluated: 2019-12-31. Review status: criteria provided, single submitter. Criteria: Invitae Variant Classification Sherloc (09022015). Collection method: clinical testing. Allele origin: germline.

Breakthrough Genomics
Classification: Benign. Review status: criteria provided, single submitter. Criteria: ACMG Guidelines, 2015. Collection method: not provided. Allele origin: germline. Inheritance: Unknown mechanism. Affected: yes.

NM_006836.2(GCN1):c.204G>A (p.Arg68=)

Genes: GCN1 (GCN1 activator of EIF2AK4; minus strand), LOC126861658 (MED14-independent group 3 enhancer GRCh37_chr12:120622010-120623209; plus strand). Cytogenetic location: 12q24.23.
Variant type: single nucleotide variant.
Coding change: c.204G>A on transcript NM_006836.2 (MANE Select); coding-DNA position 204, G replaced by A.
Protein change: p.Arg68=; no amino-acid change (arginine 68 retained).
Molecular consequence: synonymous variant.
Genome position (GRCh38, 1-based): chr12:120,184,225, C>T on the plus strand (G>A on the coding strand, the complement: GCN1 is on the minus strand). VCF-style: chr12-120184225-C-T. GRCh37 (hg19) VCF-style: chr12-120622028-C-T.
Identifiers: ClinVar variation 719285 (VCV000719285.29), dbSNP rs117182553, ClinGen allele CA6825648.